The following is an entry in ClinVar:

NM_000459.5(TEK):c.902-10C>T

Gene: TEK (TEK receptor tyrosine kinase; plus strand). Cytogenetic location: 9p21.2.
Variant type: single nucleotide variant.
Coding change: c.902-10C>T on transcript NM_000459.5 (MANE Select); 10 bases into the intron before coding-DNA position 902, C replaced by T.
Molecular consequence: intron variant.
Genome position (GRCh38, 1-based): chr9:27,180,230, C>T. VCF-style: chr9-27180230-C-T. GRCh37 (hg19) VCF-style: chr9-27180228-C-T.
Other names: p.?; c.902-3229C>T (NM_001290077.2, NM_001375476.1); c.590-3229C>T (NM_001290078.2); c.902-10C>T (NM_001375475.1).
Identifiers: ClinVar variation 366414 (VCV000366414.27), dbSNP rs41272241, ClinGen allele CA5016062.

ClinVar aggregate classification (germline): Benign/Likely benign. Review status: criteria provided, multiple submitters, no conflicts (2 of 4 stars). 6 submissions from 6 submitters: Benign (5); Likely benign (1). Last evaluated 2026-01-15.

Conditions:
Multiple cutaneous and mucosal venous malformations (VMCM). Also called: TEK-Related Multiple Cutaneous and Mucosal Venous Malformations (VMCM). Identifiers: Orphanet 2451, MedGen C1838437, MONDO:0010842, OMIM 600195.

Allele frequency attached by ClinVar (database versions not stated): 1000 Genomes Project 0.00799; 1000 Genomes Project 30x 0.00812; ExAC 0.00997; gnomAD exomes 0.01024; gnomAD 0.01192 and 0.01308; TOPMed 0.01260; ESP Exome Variant Server 0.01415.
gnomAD v4.1: 19,763 of 1,613,640 alleles (1.2%); highest among the groups gnomAD compares: Middle Eastern, 2.6%; 158 homozygotes.

Submissions (6):

Labcorp Genetics (formerly Invitae), Labcorp
Classification: Benign. Last evaluated: 2026-01-15. Review status: criteria provided, single submitter. Criteria: Invitae Variant Classification Sherloc (09022015). Collection method: clinical testing. Allele origin: germline.

ARUP Laboratories, Molecular Genetics and Genomics, ARUP Laboratories
Classification: Benign. Last evaluated: 2025-06-12. Review status: criteria provided, single submitter. Criteria: ARUP Molecular Germline Variant Investigation Process 2024. Collection method: clinical testing. Allele origin: germline.

Blueprint Genetics
Classification: Likely benign. Last evaluated: 2024-11-26. Review status: criteria provided, single submitter. Criteria: ACMG Guidelines, 2015. Collection method: clinical testing. Allele origin: germline.

Mayo Clinic Laboratories, Mayo Clinic
Classification: Benign. Last evaluated: 2023-05-10. Review status: criteria provided, single submitter. Criteria: ACMG Guidelines, 2015. Collection method: clinical testing. Allele origin: germline. Observed: 22 variant alleles.
Comment: BS1, BS2, BP4, BP7

Illumina Laboratory Services, Illumina
Classification: Benign for Multiple cutaneous and mucosal venous malformations. Last evaluated: 2018-01-12. Review status: criteria provided, single submitter. Criteria: ICSL Variant Classification Criteria 13 December 2019. Collection method: clinical testing. Allele origin: germline.
Comment: This variant was observed in the ICSL laboratory as part of a predisposition screen in an ostensibly healthy population. It had not been previously curated by ICSL or reported in the Human Gene Mutation Database (HGMD: prior to June 1st, 2018), and was therefore a candidate for classification through an automated scoring system. Utilizing variant allele frequency, disease prevalence and penetrance estimates, and inheritance mode, an automated score was calculated to assess if this variant is too frequent to cause the disease. Based on the score and internal cut-off values, a variant classified as benign is not then subjected to further curation. The score for this variant resulted in a classification of benign for this disease.

Breakthrough Genomics
Classification: Benign. Review status: criteria provided, single submitter. Criteria: ACMG Guidelines, 2015. Collection method: not provided. Allele origin: germline. Inheritance: Autosomal dominant inheritance. Affected: yes.